The following is an entry in ClinVar:

ClinVar aggregate classification (germline): Conflicting classifications of pathogenicity. Review status: criteria provided, conflicting classifications (1 of 4 stars). 3 submissions from 3 submitters: Uncertain significance (2); Likely benign (1). Last evaluated 2024-12-23.

Conditions:
Inborn genetic diseases. Identifiers: MedGen C0950123, MeSH D030342.

Allele frequency attached by ClinVar (database versions not stated): gnomAD 0.00003; gnomAD exomes 0.00003; TOPMed 0.00003.
gnomAD v4.1: 42 of 1,612,944 alleles (0.0026%); highest among the groups gnomAD compares: Middle Eastern, 0.049%; no homozygotes.

Submissions (3):

Ambry Genetics
Classification: Likely benign for Inborn genetic diseases. Last evaluated: 2024-12-23. Review status: criteria provided, single submitter. Criteria: Ambry Variant Classification Scheme 2023. Collection method: clinical testing. Allele origin: germline.

GeneDx
Classification: Uncertain significance. Last evaluated: 2023-10-19. Review status: criteria provided, single submitter. Criteria: GeneDx Variant Classification Process June 2021. Collection method: clinical testing. Allele origin: germline. Affected: yes.
Comment: In silico analysis is inconclusive as to whether the variant alters gene splicing. In the absence of RNA/functional studies, the actual effect of this sequence change is unknown.; Has not been previously published as pathogenic or benign to our knowledge

Genetic Services Laboratory, University of Chicago
Classification: Uncertain significance. Last evaluated: 2021-12-21. Review status: criteria provided, single submitter. Criteria: ACMG Guidelines, 2015. Collection method: clinical testing. Allele origin: germline. Affected: no.

NM_001987.5(ETV6):c.1254G>A (p.Arg418=)

Gene: ETV6 (ETS variant transcription factor 6; plus strand). Cytogenetic location: 12p13.2.
Variant type: single nucleotide variant.
Coding change: c.1254G>A on transcript NM_001987.5 (MANE Select); coding-DNA position 1254, G replaced by A.
Protein change: p.Arg418=; no amino-acid change (arginine 418 retained).
Molecular consequence: synonymous variant.
Genome position (GRCh38, 1-based): chr12:11,890,941, G>A. VCF-style: chr12-11890941-G-A. GRCh37 (hg19) VCF-style: chr12-12043875-G-A.
Other names: c.1254G>A (NM_001987.4).
Identifiers: ClinVar variation 1336864 (VCV001336864.7), dbSNP rs1210398083, ClinGen allele CA478767261.